The following is an entry in ClinVar:

NM_052845.4(MMAB):c.290+1756C>G

Gene: MMAB (metabolism of cobalamin associated B; minus strand). Cytogenetic location: 12q24.11.
Variant type: single nucleotide variant.
Coding change: c.290+1756C>G on transcript NM_052845.4 (MANE Select); 1756 bases into the intron after coding-DNA position 290, C replaced by G.
Molecular consequence: intron variant.
Genome position (GRCh38, 1-based): chr12:109,567,014, G>C on the plus strand (C>G on the coding strand, the complement: MMAB is on the minus strand). VCF-style: chr12-109567014-G-C. GRCh37 (hg19) VCF-style: chr12-110004819-G-C.
Identifiers: ClinVar variation 4293226 (VCV004293226.1).

ClinVar aggregate classification (germline): Uncertain significance (1 of 4 stars; one submission).

Conditions:
Methylmalonic aciduria, cblB type (MACB). Also called: Methylmalonic acidemia cblB type; METHYLMALONIC ACIDURIA, VITAMIN B12-RESPONSIVE, DUE TO DEFECT IN SYNTHESIS OF ADENOSYLCOBALAMIN, cblB TYPE; Vitamin B12-responsive methylmalonic acidemia type cblB. Identifiers: Orphanet 28, Orphanet 79311, MedGen C1855102, MONDO:0009614, OMIM 251110.

gnomAD v4.1: 19 of 455,904 alleles (0.0042%); highest among the groups gnomAD compares: East Asian, 0.077%; no homozygotes.

Submission:

3billion
Classification: Uncertain significance for Methylmalonic aciduria, cblB type. Last evaluated: 2025-02-10. Review status: criteria provided, single submitter. Criteria: ACMG Guidelines, 2015. Collection method: clinical testing. Allele origin: germline. Affected: yes.
Comment: The variant is observed at an extremely low frequency in the gnomAD v4.1.0 dataset (total allele frequency: 0.004%). Predicted Consequence/Location: Intron variant In silico tools predict the variant to alter splicing and produce an abnormal transcript [SpliceAI: 0.20 (>=0.2, moderate evidence for spliceogenicity)]. Therefore, this variant is classified as VUS according to the recommendation of ACMG/AMP guideline.